The following is an entry in ClinVar:

ClinVar aggregate classification (germline): Uncertain significance (1 of 4 stars; one submission).

gnomAD v4.1: 2 of 1,208,686 alleles (0.00017%); highest among the groups gnomAD compares: African/African-American, 0.0035%; no homozygotes.

Submission:

Labcorp Genetics (formerly Invitae), Labcorp
Classification: Uncertain significance. Last evaluated: 2022-09-06. Review status: criteria provided, single submitter. Criteria: Invitae Variant Classification Sherloc (09022015). Collection method: clinical testing. Allele origin: germline.
Comment: In summary, the available evidence is currently insufficient to determine the role of this variant in disease. Therefore, it has been classified as a Variant of Uncertain Significance. Algorithms developed to predict the effect of missense changes on protein structure and function are either unavailable or do not agree on the potential impact of this missense change (SIFT: "Tolerated"; PolyPhen-2: "Possibly Damaging"; Align-GVGD: "Class C0"). ClinVar contains an entry for this variant (Variation ID: 1429239). This variant has not been reported in the literature in individuals affected with FRMD7-related conditions. The frequency data for this variant in the population databases is considered unreliable, as metrics indicate poor data quality at this position in the gnomAD database. This sequence change replaces alanine, which is neutral and non-polar, with glutamic acid, which is acidic and polar, at codon 400 of the FRMD7 protein (p.Ala400Glu).

NM_194277.3(FRMD7):c.1199C>A (p.Ala400Glu)

Gene: FRMD7 (FERM domain containing 7; minus strand). Cytogenetic location: Xq26.2.
Variant type: single nucleotide variant.
Coding change: c.1199C>A on transcript NM_194277.3 (MANE Select); coding-DNA position 1199, C replaced by A.
Protein change: p.Ala400Glu; replaces alanine 400 with glutamic acid.
Molecular consequence: missense variant.
Genome position (GRCh38, 1-based): chrX:132,078,818, G>T on the plus strand (C>A on the coding strand, the complement: FRMD7 is on the minus strand). VCF-style: chrX-132078818-G-T. GRCh37 (hg19) VCF-style: chrX-131212846-G-T.
Other names: c.1154C>A, p.Ala385Glu (NM_001306193.2); short protein forms A385E, A400E.
Identifiers: ClinVar variation 1429239 (VCV001429239.8), dbSNP rs943531530, ClinGen allele CA414679626.